The following is an entry in ClinVar:

ClinVar aggregate classification (germline): Pathogenic. Review status: reviewed by expert panel (3 of 4 stars). 13 submissions from 13 submitters: Pathogenic (1). 12 of the submissions do not count toward it. Last evaluated 2017-03-17.

Conditions:
CFTR-related disorder (CFTR-RD). Also called: CFTR-related condition; CFTR-related disorders. Identifiers: MedGen C5924204, MONDO:7770004.
Congenital bilateral aplasia of vas deferens from CFTR mutation (CBAVD). Identifiers: Orphanet 48, MedGen C0403814, MONDO:0010178, OMIM 277180. Disease mechanism: loss of function.
Cystic fibrosis (CF). Also called: MUCOVISCIDOSIS. Identifiers: Orphanet 586, MedGen C0010674, MONDO:0009061, OMIM 219700. Disease mechanism: loss of function.
Hereditary pancreatitis (PCTT). Also called: PRSS1-Related Hereditary Pancreatitis; Hereditary chronic pancreatitis. Identifiers: Orphanet 676, MedGen C0238339, MONDO:0008185, OMIM 167800.
Bronchiectasis with or without elevated sweat chloride 1 (BESC1). Also called: Cystic Fibrosis-Like Syndrome. Identifiers: Orphanet 60033, MedGen C2749757, MONDO:0008887, OMIM 211400.

Allele frequency attached by ClinVar (database versions not stated): gnomAD exomes below 0.00001; gnomAD 0.00001.
gnomAD v4.1: 2 of 1,613,962 alleles (0.00012%); highest among the groups gnomAD compares: Admixed American, 0.0017%; no homozygotes.

Submissions (13):

CFTR2
Classification: Pathogenic for Cystic fibrosis. Last evaluated: 2017-03-17. Review status: reviewed by expert panel. Criteria: Sosnay PR et al. (Nat Genet 2013). Collection method: research. Allele origin: germline. Affected: yes. Study: CFTR2.

Natera, Inc.
Classification: Pathogenic for CFTR-related disorders. Last evaluated: 2025-10-08. Review status: criteria provided, single submitter. Criteria: Natera Variant Classification Schema (03/2026). Collection method: clinical testing. Allele origin: germline. Not counted in ClinVar's aggregate classification.
Comment: The c.595C>T variant in CFTR is a missense variant predicted to cause substitution of histidine to tyrosine at amino acid 199. This variant is rare in the general population with a frequency below the threshold expected for the associated phenotype(s). This variant has been observed in one or more individuals affected with the associated recessive disease, as either homozygous or compound heterozygous with a second variant (PMID: 29095814, 23687349, 35858753). Given the available evidence, this variant is classified as Pathogenic.

PreventionGenetics, part of Exact Sciences
Classification: Pathogenic for CFTR-related condition. Last evaluated: 2025-02-18. Review status: criteria provided, single submitter. Criteria: ACMG Guidelines, 2015. Collection method: clinical testing. Allele origin: germline. Not counted in ClinVar's aggregate classification.
Comment: The CFTR c.595C>T variant is predicted to result in the amino acid substitution p.His199Tyr. This variant, also described as 727C>T using legacy nomenclature, has been reported in the homozygous and compound heterozygous states in multiple unrelated individuals with cystic fibrosis (for example, see Table S2, Sosnay et al. 2013. PubMed ID: 23974870; Xu et al. 2017. PubMed ID: 28608624; e-Table 1, Shen et al. 2022. PubMed ID: 35858753). In vitro studies have found that the p.His199Tyr variant leads to greatly reduced CFTR expression (0.1%) compared to wild type (Table S2, Sosnay et al. 2013. PubMed ID: 23974870). This variant has not been reported in a large population database (gnomAD), indicating this variant is rare. Other missense substitutions at the same amino acid (p.His199Arg, p.His199Gln) have also been reported in individuals with cystic fibrosis (Tsui 1992. PubMed ID: 1284534; Ahmed et al. 2003. PubMed ID: 12865275; D'Apice et al. 2004. PubMed ID: 15084222). Taken together, the p.His199Tyr variant is interpreted as pathogenic.

Labcorp Genetics (formerly Invitae), Labcorp
Classification: Pathogenic for Cystic fibrosis. Last evaluated: 2024-12-15. Review status: criteria provided, single submitter. Criteria: Invitae Variant Classification Sherloc (09022015). Collection method: clinical testing. Allele origin: germline. Not counted in ClinVar's aggregate classification.
Comment: This sequence change replaces histidine, which is basic and polar, with tyrosine, which is neutral and polar, at codon 199 of the CFTR protein (p.His199Tyr). This variant is not present in population databases (gnomAD no frequency). This missense change has been observed in individuals with cystic fibrosis (PMID: 7525450, 10798368, 12007216, 15858154, 18456578, 27143075, 28608624). ClinVar contains an entry for this variant (Variation ID: 54018). Invitae Evidence Modeling of protein sequence and biophysical properties (such as structural, functional, and spatial information, amino acid conservation, physicochemical variation, residue mobility, and thermodynamic stability) indicates that this missense variant is expected to disrupt CFTR protein function with a positive predictive value of 80%. Experimental studies have shown that this missense change affects CFTR function (PMID: 23974870). For these reasons, this variant has been classified as Pathogenic.

Neuberg Centre For Genomic Medicine, NCGM
Classification: Pathogenic for Cystic fibrosis. Last evaluated: 2023-06-22. Review status: criteria provided, single submitter. Criteria: ACMG Guidelines, 2015. Collection method: clinical testing. Allele origin: germline. Inheritance: Autosomal recessive inheritance. Affected: yes. Not counted in ClinVar's aggregate classification.
Comment: The missense c.595C>T (p.His199Tyr) variant in the CFTR gene has been observed in individuals with cystic fibrosis (Castellani, C et al.,2008). Experimental studies have shown that this missense change affects CFTR function (Sosnay, Patrick R et al., 2013). This variant has been reported to the ClinVar database as Pathogenic with a status of reviewed by expert panel. The amino acid Histidine at position 199 is changed to a Tyrosine changing protein sequence and it might alter its composition and physico-chemical properties. This variant has been reported to the ClinVar database as Pathogenic with a status of reviewed by expert panel. Multiple lines of computational evidence (Polyphen - Damaging, SIFT – Damaging and MutationTaster - Disease causing) predict a damaging effect on protein structure and function for this variant. The amino acid Histidine in CFTR is predicted as conserved by GERP++ and PhyloP across 100 vertebrates. For these reasons, this variant has been classified as Pathogenic.

Ambry Genetics
Classification: Pathogenic for Cystic fibrosis. Last evaluated: 2023-05-24. Review status: criteria provided, single submitter. Criteria: Ambry Variant Classification Scheme 2023. Collection method: clinical testing. Allele origin: germline. Not counted in ClinVar's aggregate classification.
Comment: The p.H199Y pathogenic mutation (also known as c.595C>T), located in coding exon 6 of the CFTR gene, results from a C to T substitution at nucleotide position 595. The histidine at codon 199 is replaced by tyrosine, an amino acid with similar properties. This mutation was reported in multiple individuals with cystic fibrosis and a second mutation in trans; in vitro studies using HeLa cells expressing this mutation showed a severe processing defect of the CFTR protein (Sosnay PR et al, Nat. Genet. 2013 Oct; 45(10):1160-7). In addition, a disease-causing alteration, p.H199R, has been described in the same codon (D'Apice MR et al, BMC Med. Genet. 2004 Apr; 5:8). Based on the supporting evidence, this alteration is interpreted as a disease-causing mutation.

Johns Hopkins Genomics, Johns Hopkins University
Classification: Pathogenic for Cystic fibrosis. Last evaluated: 2022-09-07. Review status: criteria provided, single submitter. Criteria: ACMG Guidelines, 2015. Collection method: clinical testing. Allele origin: germline. Not counted in ClinVar's aggregate classification.
Comment: Disease-causing CFTR variant. See CFTR2 for phenotype information.

Fulgent Genetics
Classification: Pathogenic for Hereditary pancreatitis; Bronchiectasis with or without elevated sweat chloride 1; Cystic fibrosis; Congenital bilateral aplasia of vas deferens from CFTR mutation. Last evaluated: 2018-10-31. Review status: criteria provided, single submitter. Criteria: ACMG Guidelines, 2015. Collection method: clinical testing. Allele origin: unknown. Not counted in ClinVar's aggregate classification.

CFTR-France
Classification: Pathogenic for cystic fibrosis. Last evaluated: 2018-01-29. Review status: criteria provided, single submitter. Criteria: Claustres M et al. (Hum Mutat 2017). Collection method: curation. Allele origin: germline. Affected: yes. Not counted in ClinVar's aggregate classification.

ARUP Laboratories, Molecular Genetics and Genomics, ARUP Laboratories
Classification: Pathogenic. Last evaluated: 2017-09-19. Review status: criteria provided, single submitter. Criteria: ARUP Molecular Germline Variant Investigation Process. Collection method: clinical testing. Allele origin: germline. Not counted in ClinVar's aggregate classification.

Women's Health and Genetics/Laboratory Corporation of America, LabCorp
Classification: Pathogenic for Cystic fibrosis. Last evaluated: 2017-06-13. Review status: criteria provided, single submitter. Criteria: LabCorp Variant Classification Summary - May 2015. Collection method: clinical testing. Allele origin: germline. Not counted in ClinVar's aggregate classification.
Comment: Variant summary: The CFTR c.595C>T (p.His199Tyr) variant involves the alteration of a conserved nucleotide, resulting in a missense substitution that lies within the ABC transporter type 1, transmembrane domain (InterPro). 4/5 in silico tools predict a damaging outcome for this variant. This variant is absent from the large control database ExAC (0/121410 control chromosomes). The variant has been identified in numerous cystic fibrosis patients. In addition, multiple clinical diagnostic laboratories/reputable databases classified this variant as pathogenic/likely pathogenic. Taken together, this variant is classified as pathogenic.

Baylor Genetics
Classification: Pathogenic for Congenital bilateral aplasia of vas deferens from CFTR mutation; Cystic fibrosis. Review status: criteria provided, single submitter. Criteria: ACMG Guidelines, 2015. Collection method: clinical testing. Allele origin: germline. Not counted in ClinVar's aggregate classification.

Counsyl
Classification: Likely pathogenic for Cystic fibrosis. Last evaluated: 2016-09-30. Review status: no assertion criteria provided. Collection method: clinical testing. Allele origin: unknown. Not counted in ClinVar's aggregate classification.

Literature cited by the submitters: PubMed 29095814 (cited by Natera, Inc.); PubMed 23687349 (cited by Natera, Inc.); PubMed 35858753 (cited by Natera, Inc.); PubMed 7525450 (cited by 3 submitters); PubMed 10798368 (cited by Labcorp Genetics (formerly Invitae), Labcorp); PubMed 12007216 (cited by Labcorp Genetics (formerly Invitae), Labcorp); PubMed 15858154 (cited by Labcorp Genetics (formerly Invitae), Labcorp and Women's Health and Genetics/Laboratory Corporation of America, LabCorp); PubMed 18456578 (cited by Labcorp Genetics (formerly Invitae), Labcorp); PubMed 27143075 (cited by Labcorp Genetics (formerly Invitae), Labcorp); PubMed 28608624 (cited by Labcorp Genetics (formerly Invitae), Labcorp); PubMed 23974870 (cited by 4 submitters); PubMed 15084222 (cited by Ambry Genetics); PubMed 17331079 (cited by Women's Health and Genetics/Laboratory Corporation of America, LabCorp); PubMed 9439669 (cited by Women's Health and Genetics/Laboratory Corporation of America, LabCorp); PubMed 16963320 (cited by Women's Health and Genetics/Laboratory Corporation of America, LabCorp); PubMed 26708955 (cited by Women's Health and Genetics/Laboratory Corporation of America, LabCorp); PubMed 8844213 (cited by Women's Health and Genetics/Laboratory Corporation of America, LabCorp).

NM_000492.4(CFTR):c.595C>T (p.His199Tyr)

Gene: CFTR (CF transmembrane conductance regulator; plus strand). Cytogenetic location: 7q31.2.
Variant type: single nucleotide variant.
Coding change: c.595C>T on transcript NM_000492.4 (MANE Select); coding-DNA position 595, C replaced by T.
Protein change: p.His199Tyr; replaces histidine 199 with tyrosine.
Molecular consequence: missense variant.
Genome position (GRCh38, 1-based): chr7:117,535,263, C>T. VCF-style: chr7-117535263-C-T. GRCh37 (hg19) VCF-style: chr7-117175317-C-T.
Other names: short protein forms H199Y.
Identifiers: ClinVar variation 54018 (VCV000054018.28), dbSNP rs121908802, ClinGen allele CA328129.